The following is an entry in ClinVar:

NM_006348.5(COG5):c.2295G>T (p.Gln765His)

Gene: COG5 (component of oligomeric golgi complex 5; minus strand). Cytogenetic location: 7q22.3.
Variant type: single nucleotide variant.
Coding change: c.2295G>T on transcript NM_006348.5 (MANE Select); coding-DNA position 2295, G replaced by T.
Protein change: p.Gln765His; replaces glutamine 765 with histidine.
Molecular consequence: missense variant. On other transcripts: intron variant (1).
Genome position (GRCh38, 1-based): chr7:107,211,099, C>A on the plus strand (G>T on the coding strand, the complement: COG5 is on the minus strand). VCF-style: chr7-107211099-C-A. GRCh37 (hg19) VCF-style: chr7-106851544-C-A.
Other names: c.2295G>T, p.Gln765His (NM_001161520.2); c.2133G>T, p.Gln711His (NM_001379511.1); c.2121G>T, p.Gln707His (NM_001379512.1); c.1980G>T, p.Gln660His (NM_001379514.1); c.1725G>T, p.Gln575His (NM_001379515.1); c.1581G>T, p.Gln527His (NM_001379516.1); c.2232G>T, p.Gln744His (NM_181733.4); c.2169-7469G>T (NM_001379513.1); short protein forms Q527H, Q575H, Q707H, Q744H, Q660H, Q711H, Q765H.
Identifiers: ClinVar variation 1497865 (VCV001497865.8), dbSNP rs1212652543, ClinGen allele CA368839664.

ClinVar aggregate classification (germline): Uncertain significance (1 of 4 stars; one submission).

Conditions:
COG5-congenital disorder of glycosylation. Also called: CONGENITAL DISORDER OF GLYCOSYLATION, TYPE IIi; CDG IIi; COG5-CDG. Identifiers: Orphanet 263487, MedGen C3150876, MONDO:0013325, OMIM 613612.

Submission:

Labcorp Genetics (formerly Invitae), Labcorp
Classification: Uncertain significance for COG5-congenital disorder of glycosylation. Last evaluated: 2021-02-06. Review status: criteria provided, single submitter. Criteria: Invitae Variant Classification Sherloc (09022015). Collection method: clinical testing. Allele origin: germline.
Comment: In summary, the available evidence is currently insufficient to determine the role of this variant in disease. Therefore, it has been classified as a Variant of Uncertain Significance. Nucleotide substitutions within the consensus splice site are a relatively common cause of aberrant splicing (PMID: 17576681, 9536098). Algorithms developed to predict the effect of sequence changes on RNA splicing suggest that this variant may disrupt the consensus splice site, but this prediction has not been confirmed by published transcriptional studies. This sequence change replaces glutamine with histidine at codon 796 of the COG5 protein (p.Gln796His). The glutamine residue is highly conserved and there is a small physicochemical difference between glutamine and histidine. This variant also falls at the last nucleotide of exon 20, which is part of the consensus splice site for this exon. This variant is not present in population databases (ExAC no frequency). This variant has not been reported in the literature in individuals with COG5-related conditions. Algorithms developed to predict the effect of missense changes on protein structure and function are either unavailable or do not agree on the potential impact of this missense change (SIFT: "Deleterious"; PolyPhen-2: "Probably Damaging"; Align-GVGD: "Class C0").

Literature cited by the submitters: PubMed 17576681; PubMed 9536098.